The following is an entry in ClinVar:

ClinVar aggregate classification (germline): Uncertain significance. Review status: criteria provided, single submitter (1 of 4 stars). 2 submissions from 2 submitters: Uncertain significance (1). 1 of the submissions does not count toward it. Last evaluated 2025-04-11.

Conditions:
Familial dysautonomia. Also called: HSAN III; FD. Identifiers: Orphanet 1764, MedGen C0013364, MONDO:0009131, OMIM 223900. Disease mechanism: loss of function.

Allele frequency attached by ClinVar (database versions not stated): gnomAD exomes below 0.00001.
gnomAD v4.1: 3 of 1,591,530 alleles (0.00019%); highest among the groups gnomAD compares: Admixed American, 0.005%; no homozygotes.

Submissions (2):

Labcorp Genetics (formerly Invitae), Labcorp
Classification: Uncertain significance. Last evaluated: 2025-04-11. Review status: criteria provided, single submitter. Criteria: Invitae Variant Classification Sherloc (09022015). Collection method: clinical testing. Allele origin: germline.
Comment: This sequence change replaces histidine, which is basic and polar, with arginine, which is basic and polar, at codon 779 of the ELP1 protein (p.His779Arg). This variant is present in population databases (no rsID available, gnomAD 0.003%). This variant has not been reported in the literature in individuals affected with ELP1-related conditions. ClinVar contains an entry for this variant (Variation ID: 665231). Invitae Evidence Modeling of protein sequence and biophysical properties (such as structural, functional, and spatial information, amino acid conservation, physicochemical variation, residue mobility, and thermodynamic stability) indicates that this missense variant is not expected to disrupt ELP1 protein function with a negative predictive value of 80%. In summary, the available evidence is currently insufficient to determine the role of this variant in disease. Therefore, it has been classified as a Variant of Uncertain Significance.

Natera, Inc.
Classification: Uncertain significance for Familial dysautonomia. Last evaluated: 2020-09-16. Review status: no assertion criteria provided. Collection method: clinical testing. Allele origin: germline. Not counted in ClinVar's aggregate classification.

NM_003640.5(ELP1):c.2336A>G (p.His779Arg)

Gene: ELP1 (elongator acetyltransferase complex subunit 1; minus strand). Cytogenetic location: 9q31.3.
Variant type: single nucleotide variant.
Coding change: c.2336A>G on transcript NM_003640.5 (MANE Select); coding-DNA position 2336, A replaced by G.
Protein change: p.His779Arg; replaces histidine 779 with arginine.
Molecular consequence: missense variant.
Genome position (GRCh38, 1-based): chr9:108,898,529, T>C on the plus strand (A>G on the coding strand, the complement: ELP1 is on the minus strand). VCF-style: chr9-108898529-T-C. GRCh37 (hg19) VCF-style: chr9-111660809-T-C.
Other names: c.2336A>G (LRG_251t1); c.1994A>G, p.His665Arg (NM_001318360.2); c.1289A>G, p.His430Arg (NM_001330749.2); short protein forms H430R, H665R, H779R.
Identifiers: ClinVar variation 665231 (VCV000665231.8), dbSNP rs1431007165, ClinGen allele CA374421796.